The following is an entry in ClinVar:

NM_032578.4(MYPN):c.2229G>C (p.Pro743=)

Gene: MYPN (myopalladin; plus strand). Cytogenetic location: 10q21.3.
Variant type: single nucleotide variant.
Coding change: c.2229G>C on transcript NM_032578.4 (MANE Select); coding-DNA position 2229, G replaced by C.
Protein change: p.Pro743=; no amino-acid change (proline 743 retained).
Molecular consequence: synonymous variant. On other transcripts: non-coding transcript variant (2).
Genome position (GRCh38, 1-based): chr10:68,174,321, G>C. VCF-style: chr10-68174321-G-C. GRCh37 (hg19) VCF-style: chr10-69934078-G-C.
Other names: c.2229G>C, p.Pro743= (NM_001256267.2); c.1347G>C, p.Pro449= (NM_001256268.2).
Identifiers: ClinVar variation 378225 (VCV000378225.11), dbSNP rs148360410, ClinGen allele CA5522756.

ClinVar aggregate classification (germline): Likely benign. Review status: criteria provided, multiple submitters, no conflicts (2 of 4 stars). 3 submissions from 3 submitters: Likely benign (3). Last evaluated 2026-01-26.

Conditions:
Cardiovascular phenotype. Identifiers: MedGen CN230736.
Dilated cardiomyopathy 1KK (CMD1KK). Identifiers: Orphanet 154, Orphanet 75249, MedGen C3714995, MONDO:0014100, OMIM 615248.

Allele frequency attached by ClinVar (database versions not stated): TOPMed 0.00002.
gnomAD v4.1: 61 of 1,613,912 alleles (0.0038%); highest among the groups gnomAD compares: Non-Finnish European, 0.005%; no homozygotes.

Submissions (3):

Labcorp Genetics (formerly Invitae), Labcorp
Classification: Likely benign for Dilated cardiomyopathy 1KK. Last evaluated: 2026-01-26. Review status: criteria provided, single submitter. Criteria: Invitae Variant Classification Sherloc (09022015). Collection method: clinical testing. Allele origin: germline.

Ambry Genetics
Classification: Likely benign for Cardiovascular phenotype. Last evaluated: 2022-04-09. Review status: criteria provided, single submitter. Criteria: Ambry Variant Classification Scheme 2023. Collection method: clinical testing. Allele origin: germline.

GeneDx
Classification: Likely benign. Last evaluated: 2015-12-01. Review status: criteria provided, single submitter. Criteria: GeneDx Variant Classification (06012015). Collection method: clinical testing. Allele origin: germline. Affected: yes.
Comment: This variant is considered likely benign or benign based on one or more of the following criteria: it is a conservative change, it occurs at a poorly conserved position in the protein, it is predicted to be benign by multiple in silico algorithms, and/or has population frequency not consistent with disease.